The following is an entry in ClinVar:

NM_000410.4(HFE):c.965T>C (p.Ile322Thr)

Gene: HFE (homeostatic iron regulator; plus strand). Cytogenetic location: 6p22.2.
Variant type: single nucleotide variant.
Coding change: c.965T>C on transcript NM_000410.4 (MANE Select); coding-DNA position 965, T replaced by C.
Protein change: p.Ile322Thr; replaces isoleucine 322 with threonine.
Molecular consequence: missense variant.
Genome position (GRCh38, 1-based): chr6:26,093,191, T>C. VCF-style: chr6-26093191-T-C. GRCh37 (hg19) VCF-style: chr6-26093419-T-C.
Other names: c.965T>C, p.Ile322Thr (NM_001300749.3, NM_001384164.1); c.956T>C, p.Ile319Thr (NM_001406751.1); c.701T>C, p.Ile234Thr (NM_001406752.1, NM_139007.3); c.647T>C, p.Ile216Thr (NM_139003.3); c.689T>C, p.Ile230Thr (NM_139004.3); c.923T>C, p.Ile308Thr (NM_139006.3); c.659T>C, p.Ile220Thr (NM_139008.3); c.896T>C, p.Ile299Thr (NM_139009.3); and 2 more; short protein forms I216T, I234T, I308T, I319T, I142T, I220T, I299T, I230T.
Identifiers: ClinVar variation 2910536 (VCV002910536.3), dbSNP rs150716212, ClinGen allele CA136293490.

ClinVar aggregate classification (germline): Uncertain significance (1 of 4 stars; one submission).

Conditions:
Hereditary hemochromatosis (HFE). Identifiers: MedGen C0392514, MONDO:0006507. Disease mechanism: loss of function.

Allele frequency attached by ClinVar (database versions not stated): gnomAD exomes below 0.00001; TOPMed 0.00001; ESP Exome Variant Server 0.00008.

Submission:

Labcorp Genetics (formerly Invitae), Labcorp
Classification: Uncertain significance for Hereditary hemochromatosis. Last evaluated: 2024-02-23. Review status: criteria provided, single submitter. Criteria: Invitae Variant Classification Sherloc (09022015). Collection method: clinical testing. Allele origin: germline.
Comment: This sequence change replaces isoleucine, which is neutral and non-polar, with threonine, which is neutral and polar, at codon 322 of the HFE protein (p.Ile322Thr). This variant is not present in population databases (gnomAD no frequency). This variant has not been reported in the literature in individuals affected with HFE-related conditions. Advanced modeling of protein sequence and biophysical properties (such as structural, functional, and spatial information, amino acid conservation, physicochemical variation, residue mobility, and thermodynamic stability) performed at Invitae indicates that this missense variant is not expected to disrupt HFE protein function with a negative predictive value of 80%. In summary, the available evidence is currently insufficient to determine the role of this variant in disease. Therefore, it has been classified as a Variant of Uncertain Significance.